The following is an entry in ClinVar:

NM_138927.4(SON):c.1094C>T (p.Pro365Leu)

Gene: SON (SON DNA and RNA binding protein; plus strand). Cytogenetic location: 21q22.11.
Variant type: single nucleotide variant.
Coding change: c.1094C>T on transcript NM_138927.4 (MANE Select); coding-DNA position 1094, C replaced by T.
Protein change: p.Pro365Leu; replaces proline 365 with leucine.
Molecular consequence: missense variant. On other transcripts: non-coding transcript variant (1), intron variant (1).
Genome position (GRCh38, 1-based): chr21:33,550,325, C>T. VCF-style: chr21-33550325-C-T. GRCh37 (hg19) VCF-style: chr21-34922631-C-T.
Other names: c.1094C>T, p.Pro365Leu (NM_001291411.2, NM_001412133.1, NM_032195.3 and 2 more transcripts); c.244+3946C>T (NM_001291412.3); short protein forms P365L.
Identifiers: ClinVar variation 2786394 (VCV002786394.3), dbSNP rs779497237, ClinGen allele CA10008813.

ClinVar aggregate classification (germline): Uncertain significance (1 of 4 stars; one submission).

Allele frequency attached by ClinVar (database versions not stated): gnomAD exomes below 0.00001; gnomAD 0.00001.
gnomAD v4.1: 2 of 1,614,022 alleles (0.00012%); highest among the groups gnomAD compares: East Asian, 0.0022%; no homozygotes.

Submission:

Labcorp Genetics (formerly Invitae), Labcorp
Classification: Uncertain significance. Last evaluated: 2023-10-15. Review status: criteria provided, single submitter. Criteria: Invitae Variant Classification Sherloc (09022015). Collection method: clinical testing. Allele origin: germline.
Comment: This sequence change replaces proline, which is neutral and non-polar, with leucine, which is neutral and non-polar, at codon 365 of the SON protein (p.Pro365Leu). This variant is present in population databases (rs779497237, gnomAD 0.007%). This variant has not been reported in the literature in individuals affected with SON-related conditions. An algorithm developed to predict the effect of missense changes on protein structure and function (PolyPhen-2) suggests that this variant is likely to be disruptive. In summary, the available evidence is currently insufficient to determine the role of this variant in disease. Therefore, it has been classified as a Variant of Uncertain Significance.